The following is an entry in ClinVar:

NM_024753.5(TTC21B):c.3862A>G (p.Ile1288Val)

Gene: TTC21B (tetratricopeptide repeat domain 21B; minus strand). Cytogenetic location: 2q24.3.
Variant type: single nucleotide variant.
Coding change: c.3862A>G on transcript NM_024753.5 (MANE Select); coding-DNA position 3862, A replaced by G.
Protein change: p.Ile1288Val; replaces isoleucine 1288 with valine.
Molecular consequence: missense variant.
Genome position (GRCh38, 1-based): chr2:165,876,176, T>C on the plus strand (A>G on the coding strand, the complement: TTC21B is on the minus strand). VCF-style: chr2-165876176-T-C. GRCh37 (hg19) VCF-style: chr2-166732686-T-C.
Other names: short protein forms I1288V.
Identifiers: ClinVar variation 4988920 (VCV004988920.1).
Genomic context (GRCh38, chr2:165,876,176, plus strand): 5'-GAAATTGTGCATCTGAAAAATTTTAAGAAATCTAAATTTAAGTGTTTACCTGGTGACATA[T>C]GTCAATTGAATCCACATATCTTTTTGCTTTTAAGTAATTAAATGCCAGTTTGTATCCTGT-3'
Protein context (NP_079029.3, residues 1278-1298): KAKRYVDSID[Ile1288Val]CHQVLEAHPT

ClinVar aggregate classification (germline): Uncertain significance (1 of 4 stars; one submission).

Conditions:
TTC21B-related disorder. Also called: TTC21B-related disorders; TTC21B-related condition.

gnomAD v4.1: 8 of 1,599,714 alleles (0.0005%); highest among the groups gnomAD compares: Admixed American, 0.0083%; no homozygotes.

Submission:

PreventionGenetics, part of Exact Sciences
Classification: Uncertain significance for TTC21B-related condition. Last evaluated: 2025-11-13. Review status: criteria provided, single submitter. Criteria: ACMG Guidelines, 2015. Collection method: clinical testing. Allele origin: germline.
Comment: The TTC21B c.3862A>G variant is predicted to result in the amino acid substitution p.Ile1288Val. To our knowledge, this variant has not been reported in the literature. This variant is reported in 0.017% of alleles in individuals of Latino descent in gnomAD. At this time, the clinical significance of this variant is uncertain due to the absence of conclusive functional and genetic evidence.